The following is an entry in ClinVar:

NM_001365951.3(KIF1B):c.4275T>G (p.Phe1425Leu)

Gene: KIF1B (kinesin family member 1B; plus strand). Cytogenetic location: 1p36.22.
Variant type: single nucleotide variant.
Coding change: c.4275T>G on transcript NM_001365951.3 (MANE Select); coding-DNA position 4275, T replaced by G.
Protein change: p.Phe1425Leu; replaces phenylalanine 1425 with leucine.
Molecular consequence: missense variant.
Genome position (GRCh38, 1-based): chr1:10,361,796, T>G. VCF-style: chr1-10361796-T-G. GRCh37 (hg19) VCF-style: chr1-10421854-T-G.
Other names: c.4275T>G, p.Phe1425Leu (NM_001365952.1); c.4137T>G, p.Phe1379Leu (NM_015074.3); short protein forms F1379L, F1425L.
Identifiers: ClinVar variation 3226488 (VCV003226488.1), dbSNP rs2521886516, ClinGen allele CA338317740.
Genomic context (GRCh38, chr1:10,361,796, plus strand): 5'-CATGGTCTTCTACTCCCGAGATGCCAAGATCTCACCACCACGCTCTCTGCGTAGCCTCTT[T>G]GGCAGCGGCTACTCAAAGTCACCAGATTCGTAAGTTTTTCACACAAGTTAGCTTCCAGTG-3'
Protein context (NP_001352880.1, residues 1415-1435): ISPPRSLRSL[Phe1425Leu]GSGYSKSPDS

ClinVar aggregate classification (germline): Uncertain significance (1 of 4 stars; one submission).

Submission:

Ambry Genetics
Classification: Uncertain significance. Last evaluated: 2024-03-08. Review status: criteria provided, single submitter. Criteria: Ambry Variant Classification Scheme 2023. Collection method: clinical testing. Allele origin: germline.
Comment: The p.F1379L variant (also known as c.4137T>G), located in coding exon 37 of the KIF1B gene, results from a T to G substitution at nucleotide position 4137. The phenylalanine at codon 1379 is replaced by leucine, an amino acid with highly similar properties. This amino acid position is conserved. In addition, the in silico prediction for this alteration is inconclusive. Based on the available evidence, the clinical significance of this alteration remains unclear.